The following is an entry in ClinVar:

ClinVar aggregate classification (germline): Uncertain significance (1 of 4 stars; one submission).

Conditions:
Left ventricular noncompaction 1 (LVNC1). Also called: LEFT VENTRICULAR NONCOMPACTION 1 WITH OR WITHOUT CONGENITAL HEART DEFECTS. Identifiers: Orphanet 54260, MedGen C1858725, MONDO:0011403, OMIM 604169.

Allele frequency attached by ClinVar (database versions not stated): gnomAD exomes below 0.00001.
gnomAD v4.1: 2 of 1,614,054 alleles (0.00012%); highest among the groups gnomAD compares: Non-Finnish European, 0.00017%; no homozygotes.

Submission:

Labcorp Genetics (formerly Invitae), Labcorp
Classification: Uncertain significance for Left ventricular noncompaction 1. Last evaluated: 2023-08-04. Review status: criteria provided, single submitter. Criteria: Invitae Variant Classification Sherloc (09022015). Collection method: clinical testing. Allele origin: germline.
Comment: This sequence change creates a premature translational stop signal (p.Gln704*) in the DTNA gene. It is expected to result in an absent or disrupted protein product. However, the current clinical and genetic evidence is not sufficient to establish whether loss-of-function variants in DTNA cause disease. This variant is not present in population databases (gnomAD no frequency). This variant has not been reported in the literature in individuals affected with DTNA-related conditions. ClinVar contains an entry for this variant (Variation ID: 2007786). In summary, the available evidence is currently insufficient to determine the role of this variant in disease. Therefore, it has been classified as a Variant of Uncertain Significance.

NM_001386795.1(DTNA):c.2191C>T (p.Gln731Ter)

Gene: DTNA (dystrobrevin alpha; plus strand). Cytogenetic location: 18q12.1.
Variant type: single nucleotide variant.
Coding change: c.2191C>T on transcript NM_001386795.1 (MANE Select); coding-DNA position 2191, C replaced by T.
Protein change: p.Gln731Ter; replaces glutamine 731 with a stop codon.
Molecular consequence: nonsense.
Genome position (GRCh38, 1-based): chr18:34,882,097, C>T. VCF-style: chr18-34882097-C-T. GRCh37 (hg19) VCF-style: chr18-32462061-C-T.
Other names: c.2020C>T, p.Gln674Ter (NM_001386754.1, NM_001386755.1, NM_001386756.1 and 3 more transcripts); c.2017C>T, p.Gln673Ter (NM_001386760.1); c.1939C>T, p.Gln647Ter (NM_001386761.1, NM_032975.4); c.1936C>T, p.Gln646Ter (NM_001386762.1); c.1054C>T, p.Gln352Ter (NM_032980.4); c.1930C>T, p.Gln644Ter (NM_001198938.2, NM_001198940.2, NM_001386753.1 and 5 more transcripts); c.1951C>T, p.Gln651Ter (NM_001198939.2); c.1237C>T, p.Gln413Ter (NM_001198942.1); and 5 more; short protein forms Q352*, Q356*, Q394*, Q413*, Q646*, Q673*, Q704*, Q644*.
Identifiers: ClinVar variation 2007786 (VCV002007786.4), dbSNP rs2523092218, ClinGen allele CA402168310.